The following is an entry in ClinVar:

NM_003334.4(UBA1):c.1243G>A (p.Gly415Arg)

Gene: UBA1 (ubiquitin like modifier activating enzyme 1; plus strand). Cytogenetic location: Xp11.3.
Variant type: single nucleotide variant.
Coding change: c.1243G>A on transcript NM_003334.4 (MANE Select); coding-DNA position 1243, G replaced by A.
Protein change: p.Gly415Arg; replaces glycine 415 with arginine.
Molecular consequence: missense variant.
Genome position (GRCh38, 1-based): chrX:47,202,952, G>A. VCF-style: chrX-47202952-G-A. GRCh37 (hg19) VCF-style: chrX-47062351-G-A.
Other names: c.1243G>A, p.Gly415Arg (NM_153280.3); short protein forms G415R.
Identifiers: ClinVar variation 753846 (VCV000753846.14), dbSNP rs373305404, ClinGen allele CA10395880.

ClinVar aggregate classification (germline): Conflicting classifications of pathogenicity. Review status: criteria provided, conflicting classifications (1 of 4 stars). 3 submissions from 3 submitters: Uncertain significance (2); Benign (1). Last evaluated 2026-02-27.

Conditions:
Inborn genetic diseases. Identifiers: MedGen C0950123, MeSH D030342.
Congenital portosystemic shunt. Identifiers: Orphanet 480531, MedGen C1290495, MONDO:0018811.
Infantile-onset X-linked spinal muscular atrophy. Also called: AMC, DISTAL, X-LINKED; ARTHROGRYPOSIS, X-LINKED, TYPE I; Spinal muscular atrophy, X-linked 2; SPINAL MUSCULAR ATROPHY, X-LINKED LETHAL INFANTILE; Spinal Muscular Atrophy, X-Linked Infantile. Identifiers: Orphanet 1145, MedGen C1844934, MONDO:0010532, OMIM 301830.

Allele frequency attached by ClinVar (database versions not stated): ExAC 0.00002; gnomAD exomes 0.00004 and 0.00010; gnomAD 0.00007 and 0.00008; TOPMed 0.00008; ESP Exome Variant Server 0.00009.

Submissions (4):

Department of Pediatrics, Graduate School of Medical Sciences, Kyushu University
Classification: Uncertain significance for Congenital portosystemic shunt. Last evaluated: 2026-02-27. Review status: criteria provided, single submitter. Criteria: ACMG Guidelines, 2015. Collection method: research. Allele origin: germline. Affected: yes.
Comment: The variant is rare in population databases. Although loss-of-function variants in this gene have been reported in other disorders, an association between this gene and CPSS has not been established. Therefore, the clinical significance of this variant in relation to CPSS is currently classified as a variant of uncertain significance (VUS).

Labcorp Genetics (formerly Invitae), Labcorp
Classification: Benign for Infantile-onset X-linked spinal muscular atrophy. Last evaluated: 2022-12-23. Review status: criteria provided, single submitter. Criteria: Invitae Variant Classification Sherloc (09022015). Collection method: clinical testing. Allele origin: germline.

Ambry Genetics
Classification: Uncertain significance for Inborn genetic diseases. Last evaluated: 2019-11-20. Review status: criteria provided, single submitter. Criteria: Ambry Variant Classification Scheme 2023. Collection method: clinical testing. Allele origin: germline.
Comment: The p.G415R variant (also known as c.1243G>A), located in coding exon 11 of the UBA1 gene, results from a G to A substitution at nucleotide position 1243. The glycine at codon 415 is replaced by arginine, an amino acid with dissimilar properties. This amino acid position is well conserved in available vertebrate species. In addition, the in silico prediction for this alteration is inconclusive. Since supporting evidence is limited at this time, the clinical significance of this alteration remains unclear.

Dr. Peter K. Rogan Lab, Western University
No classification provided (evidence only). Condition: Nonpapillary renal cell carcinoma. Review status: no classification provided. Collection method: in vitro. Allele origin: not applicable. Functional consequence: retained intron. Not counted in ClinVar's aggregate classification.